The following is an entry in ClinVar:

ClinVar aggregate classification (germline): Uncertain significance. Review status: criteria provided, multiple submitters, no conflicts (2 of 4 stars). 3 submissions from 3 submitters: Uncertain significance (3). Last evaluated 2025-02-20.

Conditions:
Hereditary cancer-predisposing syndrome. Also called: Tumor predisposition; Hereditary Cancer Syndrome; Hereditary neoplastic syndrome; Neoplastic Syndromes, Hereditary. Identifiers: Orphanet 140162, MedGen C0027672, MeSH D009386, MONDO:0015356.
Bloom syndrome (BLM). Also called: Bloom-Torre-Machacek syndrome. Identifiers: Orphanet 125, MedGen C0005859, MONDO:0008876, OMIM 210900.

Allele frequency attached by ClinVar (database versions not stated): TOPMed 0.00001.

Submissions (3):

Ambry Genetics
Classification: Uncertain significance for Hereditary cancer-predisposing syndrome. Last evaluated: 2025-02-20. Review status: criteria provided, single submitter. Criteria: Ambry Variant Classification Scheme 2023. Collection method: clinical testing. Allele origin: germline.
Comment: The p.D64A variant (also known as c.191A>C), located in coding exon 2 of the BLM gene, results from an A to C substitution at nucleotide position 191. The aspartic acid at codon 64 is replaced by alanine, an amino acid with dissimilar properties. This amino acid position is well conserved in available vertebrate species. In addition, this alteration is predicted to be tolerated by in silico analysis. Since supporting evidence is limited at this time, the clinical significance of this alteration remains unclear.

Labcorp Genetics (formerly Invitae), Labcorp
Classification: Uncertain significance for Bloom syndrome. Last evaluated: 2024-09-04. Review status: criteria provided, single submitter. Criteria: Invitae Variant Classification Sherloc (09022015). Collection method: clinical testing. Allele origin: germline.
Comment: This sequence change replaces aspartic acid, which is acidic and polar, with alanine, which is neutral and non-polar, at codon 64 of the BLM protein (p.Asp64Ala). This variant is present in population databases (no rsID available, gnomAD 0.0009%). This variant has not been reported in the literature in individuals affected with BLM-related conditions. ClinVar contains an entry for this variant (Variation ID: 287232). An algorithm developed to predict the effect of missense changes on protein structure and function (PolyPhen-2) suggests that this variant is likely to be disruptive. In summary, the available evidence is currently insufficient to determine the role of this variant in disease. Therefore, it has been classified as a Variant of Uncertain Significance.

Eurofins Ntd Llc (ga)
Classification: Uncertain significance. Last evaluated: 2016-04-25. Review status: criteria provided, single submitter. Criteria: EGL Classification Definitions 2015. Collection method: clinical testing. Allele origin: germline. Observed: 1 variant allele, 1 heterozygote.

NM_000057.4(BLM):c.191A>C (p.Asp64Ala)

Gene: BLM (BLM RecQ like helicase; plus strand). Cytogenetic location: 15q26.1.
Variant type: single nucleotide variant.
Coding change: c.191A>C on transcript NM_000057.4 (MANE Select); coding-DNA position 191, A replaced by C.
Protein change: p.Asp64Ala; replaces aspartic acid 64 with alanine.
Molecular consequence: missense variant. On other transcripts: 5 prime UTR variant (1).
Genome position (GRCh38, 1-based): chr15:90,749,459, A>C. VCF-style: chr15-90749459-A-C. GRCh37 (hg19) VCF-style: chr15-91292689-A-C.
Other names: c.191A>C, p.Asp64Ala (NM_001287246.2, NM_001287247.2); c.-1101A>C (NM_001287248.2); short protein forms D64A.
Identifiers: ClinVar variation 287232 (VCV000287232.16), dbSNP rs140382474, ClinGen allele CA10605706.